The following is an entry in ClinVar:

NM_005068.3(SIM1):c.1668T>A (p.Ser556Arg)

Gene: SIM1 (SIM bHLH transcription factor 1; minus strand). Cytogenetic location: 6q16.3.
Variant type: single nucleotide variant.
Coding change: c.1668T>A on transcript NM_005068.3 (MANE Select); coding-DNA position 1668, T replaced by A.
Protein change: p.Ser556Arg; replaces serine 556 with arginine.
Molecular consequence: missense variant.
Genome position (GRCh38, 1-based): chr6:100,390,994, A>T on the plus strand (T>A on the coding strand, the complement: SIM1 is on the minus strand). VCF-style: chr6-100390994-A-T. GRCh37 (hg19) VCF-style: chr6-100838870-A-T.
Other names: c.1668T>A, p.Ser556Arg (NM_001374769.1); short protein forms S556R.
Identifiers: ClinVar variation 5000970 (VCV005000970.1).

ClinVar aggregate classification (germline): Uncertain significance (1 of 4 stars; one submission).

Conditions:
SIM1-related disorder. Also called: SIM1-related disorders; SIM1-related condition.

gnomAD v4.1: 5 of 1,614,138 alleles (0.00031%); highest among the groups gnomAD compares: Non-Finnish European, 0.00042%; no homozygotes.

Submission:

PreventionGenetics, part of Exact Sciences
Classification: Uncertain significance for SIM1-related condition. Last evaluated: 2024-12-06. Review status: criteria provided, single submitter. Criteria: ACMG Guidelines, 2015. Collection method: clinical testing. Allele origin: germline.
Comment: The SIM1 c.1668T>A variant is predicted to result in the amino acid substitution p.Ser556Arg. To our knowledge, this variant has not been reported in the literature or in a large population database (gnomAD), indicating this variant is rare. At this time, the clinical significance of this variant is uncertain due to the absence of conclusive functional and genetic evidence.